The following is an entry in ClinVar:

ClinVar aggregate classification (germline): Uncertain significance. Review status: criteria provided, multiple submitters, no conflicts (2 of 4 stars). 3 submissions from 3 submitters: Uncertain significance (3). Last evaluated 2023-04-15.

Conditions:
Autosomal dominant hypocalcemia 1 (HYPOC1). Also called: HYPOCALCEMIA, FAMILIAL. Identifiers: MedGen C3715128, MONDO:0011013, OMIM 601198.
Familial hypocalciuric hypercalcemia (FHH). Also called: Familial benign hypercalcemia. Identifiers: Orphanet 405, MedGen C1809471, MONDO:0018458.

Submissions (3):

Women's Health and Genetics/Laboratory Corporation of America, LabCorp
Classification: Uncertain significance. Last evaluated: 2023-04-15. Review status: criteria provided, single submitter. Criteria: LabCorp Variant Classification Summary - May 2015. Collection method: clinical testing. Allele origin: germline.
Comment: Variant summary: CASR c.2332G>C (p.Gly778Arg) results in a non-conservative amino acid change located in the GPCR family 3, C-terminal domain (IPR017978) of the encoded protein sequence. Five of five in-silico tools predict a damaging effect of the variant on protein function. The variant was absent in 251070 control chromosomes (gnomAD). c.2332G>C has been reported in the literature in individuals affected with Familial Hypocalciuric Hypercalcemia (e.g. Hannan_2012, Nissen_2019, Khairi_2020). These data indicate that the variant may be associated with disease. To our knowledge, no experimental evidence demonstrating an impact on protein function has been reported. Two ClinVar submitters have assessed the variant since 2014: both classified the variant as uncertain significance. Based on the evidence outlined above, the variant was classified as VUS-possibly pathogenic.

Labcorp Genetics (formerly Invitae), Labcorp
Classification: Uncertain significance for Familial hypocalciuric hypercalcemia; Autosomal dominant hypocalcemia 1. Last evaluated: 2022-10-16. Review status: criteria provided, single submitter. Criteria: Invitae Variant Classification Sherloc (09022015). Collection method: clinical testing. Allele origin: germline.
Comment: In summary, the available evidence is currently insufficient to determine the role of this variant in disease. Therefore, it has been classified as a Variant of Uncertain Significance. Algorithms developed to predict the effect of missense changes on protein structure and function (SIFT, PolyPhen-2, Align-GVGD) all suggest that this variant is likely to be disruptive. ClinVar contains an entry for this variant (Variation ID: 850090). This missense change has been observed in individual(s) with familial hypocalciuric hypercalcemia (PMID: 22422767, 31433865, 32761341). This variant is not present in population databases (gnomAD no frequency). This sequence change replaces glycine, which is neutral and non-polar, with arginine, which is basic and polar, at codon 778 of the CASR protein (p.Gly778Arg).

GeneDx
Classification: Uncertain significance. Last evaluated: 2022-02-25. Review status: criteria provided, single submitter. Criteria: GeneDx Variant Classification Process June 2021. Collection method: clinical testing. Allele origin: germline. Affected: yes.
Comment: Identified in patients with familial hypocalciuric hypercalcemia in published literature (Khairi et al., 2020; Hannan et al., 2012) and classified as both a variant of uncertain significance and as a pathogenic variant; Not observed at significant frequency in large population cohorts (gnomAD); In silico analysis supports that this missense variant has a deleterious effect on protein structure/function; This variant is associated with the following publications: (PMID: 22422767, 32761341)

Literature cited by the submitters: PubMed 31433865 (cited by Women's Health and Genetics/Laboratory Corporation of America, LabCorp and Labcorp Genetics (formerly Invitae), Labcorp); PubMed 22422767 (cited by Women's Health and Genetics/Laboratory Corporation of America, LabCorp and Labcorp Genetics (formerly Invitae), Labcorp); PubMed 32761341 (cited by Women's Health and Genetics/Laboratory Corporation of America, LabCorp and Labcorp Genetics (formerly Invitae), Labcorp).

NM_000388.4(CASR):c.2332G>C (p.Gly778Arg)

Gene: CASR (calcium sensing receptor; plus strand). Cytogenetic location: 3q21.1.
Variant type: single nucleotide variant.
Coding change: c.2332G>C on transcript NM_000388.4 (MANE Select); coding-DNA position 2332, G replaced by C.
Protein change: p.Gly778Arg; replaces glycine 778 with arginine.
Molecular consequence: missense variant.
Genome position (GRCh38, 1-based): chr3:122,284,286, G>C. VCF-style: chr3-122284286-G-C. GRCh37 (hg19) VCF-style: chr3-122003133-G-C.
Other names: c.2362G>C, p.Gly788Arg (NM_001178065.2); short protein forms G778R, G788R.
Identifiers: ClinVar variation 850090 (VCV000850090.12), dbSNP rs1479933693, ClinGen allele CA354159549.